The following is an entry in ClinVar:

NM_181507.2(HPS5):c.2438A>G (p.Lys813Arg)

Gene: HPS5 (HPS5 biogenesis of lysosomal organelles complex 2 subunit 2; minus strand). Cytogenetic location: 11p15.1.
Variant type: single nucleotide variant.
Coding change: c.2438A>G on transcript NM_181507.2 (MANE Select); coding-DNA position 2438, A replaced by G.
Protein change: p.Lys813Arg; replaces lysine 813 with arginine.
Molecular consequence: missense variant.
Genome position (GRCh38, 1-based): chr11:18,291,444, T>C on the plus strand (A>G on the coding strand, the complement: HPS5 is on the minus strand). VCF-style: chr11-18291444-T-C. GRCh37 (hg19) VCF-style: chr11-18312991-T-C.
Other names: p.Lys813Arg; c.2096A>G, p.Lys699Arg (NM_007216.4, NM_181508.2); short protein forms K699R, K813R.
Identifiers: ClinVar variation 1404716 (VCV001404716.7), dbSNP rs141346309, ClinGen allele CA5909864.
Genomic context (GRCh38, chr11:18,291,444, plus strand): 5'-AACTGCTAATGTTTTTTAATACGAATTTCTATCTTTGATAAGGCAATCTGAGTATTACCT[T>C]TCAATCCTTCAATAAAAGTATCCCAAACAGAAGGGCTATTACTGTAACTAAGCTTGATAC-3'
Protein context (NP_852608.1, residues 803-823): SVWDTFIEGL[Lys813Arg]EMASSNPVYM

ClinVar aggregate classification (germline): Uncertain significance. Review status: criteria provided, multiple submitters, no conflicts (2 of 4 stars). 3 submissions from 3 submitters: Uncertain significance (3). Last evaluated 2025-05-15.

Conditions:
Inborn genetic diseases. Identifiers: MedGen C0950123, MeSH D030342.

Allele frequency attached by ClinVar (database versions not stated): gnomAD exomes 0.00002 and 0.00003; ExAC 0.00006; ESP Exome Variant Server 0.00054; gnomAD 0.00013 and 0.00014; 1000 Genomes Project 0.00020; TOPMed 0.00010; 1000 Genomes Project 30x 0.00016.
gnomAD v4.1: 51 of 1,581,678 alleles (0.0032%); highest among the groups gnomAD compares: African/African-American, 0.063%; no homozygotes.

Submissions (3):

Mayo Clinic Laboratories, Mayo Clinic
Classification: Uncertain significance. Last evaluated: 2025-05-15. Review status: criteria provided, single submitter. Criteria: ACMG Guidelines, 2015. Collection method: clinical testing. Allele origin: germline. Observed: 1 variant allele.

Labcorp Genetics (formerly Invitae), Labcorp
Classification: Uncertain significance. Last evaluated: 2021-11-18. Review status: criteria provided, single submitter. Criteria: Invitae Variant Classification Sherloc (09022015). Collection method: clinical testing. Allele origin: germline.
Comment: This sequence change replaces lysine, which is basic and polar, with arginine, which is basic and polar, at codon 813 of the HPS5 protein (p.Lys813Arg). This variant is present in population databases (rs141346309, gnomAD 0.03%). This variant has not been reported in the literature in individuals affected with HPS5-related conditions. Algorithms developed to predict the effect of missense changes on protein structure and function are either unavailable or do not agree on the potential impact of this missense change (SIFT: "Tolerated"; PolyPhen-2: "Possibly Damaging"; Align-GVGD: "Class C0"). In summary, the available evidence is currently insufficient to determine the role of this variant in disease. Therefore, it has been classified as a Variant of Uncertain Significance.

Ambry Genetics
Classification: Uncertain significance for Inborn genetic diseases. Last evaluated: 2021-07-06. Review status: criteria provided, single submitter. Criteria: Ambry Variant Classification Scheme 2023. Collection method: clinical testing. Allele origin: germline.